The following is an entry in ClinVar:

ClinVar aggregate classification (germline): Uncertain significance (1 of 4 stars; one submission).

Allele frequency attached by ClinVar (database versions not stated): gnomAD exomes below 0.00001; ExAC 0.00001; gnomAD 0.00001.
gnomAD v4.1: 2 of 1,613,872 alleles (0.00012%); highest among the groups gnomAD compares: Non-Finnish European, 0.00017%; no homozygotes.

Submission:

Labcorp Genetics (formerly Invitae), Labcorp
Classification: Uncertain significance. Last evaluated: 2022-07-15. Review status: criteria provided, single submitter. Criteria: Invitae Variant Classification Sherloc (09022015). Collection method: clinical testing. Allele origin: germline.
Comment: This sequence change replaces serine, which is neutral and polar, with glycine, which is neutral and non-polar, at codon 2754 of the FAT4 protein (p.Ser2754Gly). This variant is present in population databases (rs764341477, gnomAD 0.007%). This variant has not been reported in the literature in individuals affected with FAT4-related conditions. Advanced modeling of protein sequence and biophysical properties (such as structural, functional, and spatial information, amino acid conservation, physicochemical variation, residue mobility, and thermodynamic stability) performed at Invitae indicates that this missense variant is not expected to disrupt FAT4 protein function. In summary, the available evidence is currently insufficient to determine the role of this variant in disease. Therefore, it has been classified as a Variant of Uncertain Significance.

NM_001291303.3(FAT4):c.8266A>G (p.Ser2756Gly)

Gene: FAT4 (FAT atypical cadherin 4; plus strand). Cytogenetic location: 4q28.1.
Variant type: single nucleotide variant.
Coding change: c.8266A>G on transcript NM_001291303.3 (MANE Select); coding-DNA position 8266, A replaced by G.
Protein change: p.Ser2756Gly; replaces serine 2756 with glycine.
Molecular consequence: missense variant.
Genome position (GRCh38, 1-based): chr4:125,449,276, A>G. VCF-style: chr4-125449276-A-G. GRCh37 (hg19) VCF-style: chr4-126370431-A-G.
Other names: c.8266A>G, p.Ser2756Gly (NM_001291285.3); c.8260A>G, p.Ser2754Gly (NM_024582.6); short protein forms S2754G, S2756G.
Identifiers: ClinVar variation 1714418 (VCV001714418.3), dbSNP rs764341477, ClinGen allele CA3073336.
Genomic context (GRCh38, chr4:125,449,276, plus strand): 5'-GAAAAAGTATCTCATTATGTCCTAACCATAAAATCATCAGACAAAGGGTCCCCGTCTCAG[A>G]GTACTTCAGTAAAAGTCATGATTAACATTTTAGATGAAAATGATAATGCCCCTAGGTTTT-3'
Protein context (NP_001278232.1, residues 2746-2766): KSSDKGSPSQ[Ser2756Gly]TSVKVMINIL